The following is an entry in ClinVar:

NM_152424.4(AMER1):c.3225C>T (p.Ala1075=)

Gene: AMER1 (APC membrane recruitment protein 1; minus strand). Cytogenetic location: Xq11.2.
Variant type: single nucleotide variant.
Coding change: c.3225C>T on transcript NM_152424.4 (MANE Select); coding-DNA position 3225, C replaced by T.
Protein change: p.Ala1075=; no amino-acid change (alanine 1075 retained).
Molecular consequence: synonymous variant.
Genome position (GRCh38, 1-based): chrX:64,190,062, G>A on the plus strand (C>T on the coding strand, the complement: AMER1 is on the minus strand). VCF-style: chrX-64190062-G-A. GRCh37 (hg19) VCF-style: chrX-63409942-G-A.
Identifiers: ClinVar variation 4873015 (VCV004873015.2).

ClinVar aggregate classification (germline): Likely benign (1 of 4 stars; one submission).

gnomAD v4.1: 1 of 1,202,457 alleles (0.000083%); highest among the groups gnomAD compares: Non-Finnish European, 0.00011%; no homozygotes.

Submission:

CeGaT Center for Human Genetics Tuebingen
Classification: Likely benign. Last evaluated: 2026-06-01. Review status: criteria provided, single submitter. Criteria: CeGaT Center For Human Genetics Tuebingen Variant Classification Criteria Version 2. Collection method: clinical testing. Allele origin: germline. Affected: yes. Observed: 2 variant alleles.
Comment: AMER1: BP4, BP7